The following is an entry in ClinVar:

ClinVar aggregate classification (germline): Uncertain significance (1 of 4 stars; one submission).

Conditions:
TEK-related disorder. Also called: TEK-related condition.

Submission:

PreventionGenetics, part of Exact Sciences
Classification: Uncertain significance for TEK-related condition. Last evaluated: 2023-06-01. Review status: criteria provided, single submitter. Criteria: ACMG Guidelines, 2015. Collection method: clinical testing. Allele origin: germline.
Comment: The TEK c.1340C>T variant is predicted to result in the amino acid substitution p.Pro447Leu. To our knowledge, this variant has not been reported in the literature or in a large population database, indicating this variant is rare. At this time, the clinical significance of this variant is uncertain due to the absence of conclusive functional and genetic evidence.

NM_000459.5(TEK):c.1340C>T (p.Pro447Leu)

Gene: TEK (TEK receptor tyrosine kinase; plus strand). Cytogenetic location: 9p21.2.
Variant type: single nucleotide variant.
Coding change: c.1340C>T on transcript NM_000459.5 (MANE Select); coding-DNA position 1340, C replaced by T.
Protein change: p.Pro447Leu; replaces proline 447 with leucine.
Molecular consequence: missense variant.
Genome position (GRCh38, 1-based): chr9:27,190,541, C>T. VCF-style: chr9-27190541-C-T. GRCh37 (hg19) VCF-style: chr9-27190539-C-T.
Other names: c.1211C>T, p.Pro404Leu (NM_001290077.2, NM_001375476.1); c.899C>T, p.Pro300Leu (NM_001290078.2); c.1340C>T, p.Pro447Leu (NM_001375475.1); short protein forms P300L, P404L, P447L.
Identifiers: ClinVar variation 2633325 (VCV002633325.1), dbSNP rs2131183122, ClinGen allele CA373131647.